The following is an entry in ClinVar:

ClinVar aggregate classification (germline): Uncertain significance (1 of 4 stars; one submission).

gnomAD v4.1: 2 of 1,573,922 alleles (0.00013%); highest among the groups gnomAD compares: South Asian, 0.0023%; no homozygotes.

Submission:

Ambry Genetics
Classification: Uncertain significance. Last evaluated: 2022-06-07. Review status: criteria provided, single submitter. Criteria: Ambry Variant Classification Scheme 2023. Collection method: clinical testing. Allele origin: germline.
Comment: The p.S690G variant (also known as c.2068A>G), located in coding exon 19 of the PRKDC gene, results from an A to G substitution at nucleotide position 2068. The serine at codon 690 is replaced by glycine, an amino acid with similar properties. This amino acid position is conserved. In addition, this alteration is predicted to be tolerated by in silico analysis. Since supporting evidence is limited at this time, the clinical significance of this alteration remains unclear.

NM_006904.7(PRKDC):c.2068A>G (p.Ser690Gly)

Gene: PRKDC (protein kinase, DNA-activated, catalytic subunit; minus strand). Cytogenetic location: 8q11.21.
Variant type: single nucleotide variant.
Coding change: c.2068A>G on transcript NM_006904.7 (MANE Select); coding-DNA position 2068, A replaced by G.
Protein change: p.Ser690Gly; replaces serine 690 with glycine.
Molecular consequence: missense variant.
Genome position (GRCh38, 1-based): chr8:47,929,163, T>C on the plus strand (A>G on the coding strand, the complement: PRKDC is on the minus strand). VCF-style: chr8-47929163-T-C. GRCh37 (hg19) VCF-style: chr8-48841723-T-C.
Other names: c.2068A>G, p.Ser690Gly (NM_001081640.2); short protein forms S690G.
Identifiers: ClinVar variation 1785314 (VCV001785314.2), dbSNP rs747735487, ClinGen allele CA4741546.
Genomic context (GRCh38, chr8:47,929,163, plus strand): 5'-ATTTCACAAATAAAGCAAAGCAAGAATACTTTTCTGGGTCTTCAGGAGAGTGTTTCAGAC[T>C]CTTTGGACTAACTCCCTGTCAAATAAAACAGCAAGTTAGTACACTGAACAAGAATCGGGA-3'
Protein context (NP_008835.5, residues 680-700): IKYFEGVSPK[Ser690Gly]LKHSPEDPEK